The following is an entry in ClinVar:

ClinVar aggregate classification (germline): Uncertain significance (1 of 4 stars; one submission).

Allele frequency attached by ClinVar (database versions not stated): gnomAD exomes 0.00001; TOPMed 0.00001; ExAC 0.00004; ESP Exome Variant Server 0.00008.
gnomAD v4.1: 6 of 1,609,398 alleles (0.00037%); highest among the groups gnomAD compares: Non-Finnish European, 0.00051%; no homozygotes.

Submission:

CeGaT Center for Human Genetics Tuebingen
Classification: Uncertain significance. Last evaluated: 2024-05-01. Review status: criteria provided, single submitter. Criteria: CeGaT Center For Human Genetics Tuebingen Variant Classification Criteria Version 2. Collection method: clinical testing. Allele origin: germline. Affected: yes. Observed: 1 variant allele.
Comment: KMT2B: PM2, BP4

NM_014727.3(KMT2B):c.1679C>T (p.Ser560Leu)

Gene: KMT2B (lysine methyltransferase 2B; plus strand). Cytogenetic location: 19q13.12.
Variant type: single nucleotide variant.
Coding change: c.1679C>T on transcript NM_014727.3 (MANE Select); coding-DNA position 1679, C replaced by T.
Protein change: p.Ser560Leu; replaces serine 560 with leucine.
Molecular consequence: missense variant.
Genome position (GRCh38, 1-based): chr19:35,721,026, C>T. VCF-style: chr19-35721026-C-T. GRCh37 (hg19) VCF-style: chr19-36211928-C-T.
Other names: short protein forms S560L.
Identifiers: ClinVar variation 3239426 (VCV003239426.19), dbSNP rs368369291.